The following is an entry in ClinVar:

NM_001123385.2(BCOR):c.262A>G (p.Ile88Val)

Gene: BCOR (BCL6 corepressor; minus strand). Cytogenetic location: Xp11.4.
Variant type: single nucleotide variant.
Coding change: c.262A>G on transcript NM_001123385.2 (MANE Select); coding-DNA position 262, A replaced by G.
Protein change: p.Ile88Val; replaces isoleucine 88 with valine.
Molecular consequence: missense variant.
Genome position (GRCh38, 1-based): chrX:40,075,084, T>C on the plus strand (A>G on the coding strand, the complement: BCOR is on the minus strand). VCF-style: chrX-40075084-T-C. GRCh37 (hg19) VCF-style: chrX-39934337-T-C.
Other names: c.262A>G, p.Ile88Val (NM_001123383.2, NM_001123384.2, NM_001437510.1 and 4 more transcripts); short protein forms I88V.
Identifiers: ClinVar variation 4986647 (VCV004986647.1).
Genomic context (GRCh38, chrX:40,075,084, plus strand): 5'-TGCTTGTGGCAGCCTCCCGACCTTTCTCTGAGCCCAGTCCACACAAGCTAGAATAGACGA[T>C]GTTTCCCGGGACCCGCAGCCCTTCCCGGATCAGGCCAGTGCGGTCCATGCTCAGTGCTGC-3'
Protein context (NP_001116857.1, residues 78-98): IREGLRVPGN[Ile88Val]VYSSLCGLGS

ClinVar aggregate classification (germline): Likely benign (1 of 4 stars; one submission).

Conditions:
BCOR-related disorder. Also called: BCOR-related disorders; BCOR-related condition.

gnomAD v4.1: 22 of 1,205,995 alleles (0.0018%); highest among the groups gnomAD compares: African/African-American, 0.026%; no homozygotes.

Submission:

PreventionGenetics, part of Exact Sciences
Classification: Likely benign for BCOR-related condition. Last evaluated: 2025-02-23. Review status: criteria provided, single submitter. Criteria: ACMG Guidelines, 2015. Collection method: clinical testing. Allele origin: germline.
Comment: This variant is classified as likely benign based on ACMG/AMP sequence variant interpretation guidelines (Richards et al. 2015 PMID: 25741868, with internal and published modifications).